The following is an entry in ClinVar:

ClinVar aggregate classification (germline): Uncertain significance (1 of 4 stars; one submission).

Submission:

GeneDx
Classification: Uncertain significance. Last evaluated: 2022-09-15. Review status: criteria provided, single submitter. Criteria: GeneDx Variant Classification Process June 2021. Collection method: clinical testing. Allele origin: germline. Affected: yes.
Comment: Not observed at significant frequency in large population cohorts (gnomAD); In silico analysis supports that this missense variant has a deleterious effect on protein structure/function; Has not been previously published as pathogenic or benign to our knowledge

NM_002539.3(ODC1):c.71T>G (p.Leu24Arg)

Gene: ODC1 (ornithine decarboxylase 1; minus strand). Cytogenetic location: 2p25.1.
Variant type: single nucleotide variant.
Coding change: c.71T>G on transcript NM_002539.3 (MANE Select); coding-DNA position 71, T replaced by G.
Protein change: p.Leu24Arg; replaces leucine 24 with arginine.
Molecular consequence: missense variant. On other transcripts: 5 prime UTR variant (1).
Genome position (GRCh38, 1-based): chr2:10,444,962, A>C on the plus strand (T>G on the coding strand, the complement: ODC1 is on the minus strand). VCF-style: chr2-10444962-A-C. GRCh37 (hg19) VCF-style: chr2-10585088-A-C.
Other names: c.-217T>G (NM_001287188.2); c.71T>G, p.Leu24Arg (NM_001287189.2, NM_001287190.2); short protein forms L24R.
Identifiers: ClinVar variation 2444742 (VCV002444742.1), dbSNP rs1671958886, ClinGen allele CA345816444.
Genomic context (GRCh38, chr2:10,444,962, plus strand): 5'-CACTGCCAGCATGGGCCTCATATACTTACAGAAGAAGAAACTTCATTAATTTTCTGGTCC[A>C]GAATGTCCTTGGCAGTAAAACCTTCATCGAGGAAGTGGCAGTCAAACTCTTCATTACCAA-3'
Protein context (NP_002530.1, residues 14-34): LDEGFTAKDI[Leu24Arg]DQKINEVSSS